The following is an entry in ClinVar:

ClinVar aggregate classification (germline): Pathogenic. Review status: criteria provided, multiple submitters, no conflicts (2 of 4 stars). 4 submissions from 4 submitters: Pathogenic (4). Last evaluated 2025-08-15.

Conditions:
Glutaric acidemia type 2C.
Multiple acyl-CoA dehydrogenase deficiency (MADD). Also called: Glutaric Acidemia type 2; Glutaric aciduria, type 2; ETHYLMALONIC-ADIPICACIDURIA; GA II; Glutaric acidemia type II; GA 2. Identifiers: Orphanet 26791, MedGen C0268596, MONDO:0009282, OMIM 231680.

Allele frequency attached by ClinVar (database versions not stated): TOPMed 0.00002; gnomAD exomes below 0.00001 and 0.00002; ExAC 0.00001.
gnomAD v4.1: 6 of 1,613,168 alleles (0.00037%); highest among the groups gnomAD compares: Non-Finnish European, 0.00051%; no homozygotes.

Submissions (4):

Mayo Clinic Laboratories, Mayo Clinic
Classification: Pathogenic. Last evaluated: 2025-08-15. Review status: criteria provided, single submitter. Criteria: ACMG Guidelines, 2015. Collection method: clinical testing. Allele origin: germline. Observed: 1 variant allele.
Comment: PM2_supporting, PM3_supporting, PVS1

Natera, Inc.
Classification: Pathogenic for Glutaric acidemia type 2C. Last evaluated: 2025-06-16. Review status: criteria provided, single submitter. Criteria: Natera Variant Classification Schema (03/2026). Collection method: clinical testing. Allele origin: germline.
Comment: The c.545G>A variant in ETFDH is a nonsense variant predicted to introduce a stop codon at amino acid 182. This variant is expected to result in nonsense mediated decay, truncation, or a dysfunctional protein product. This variant is rare in the general population with a frequency below the threshold expected for the associated phenotype(s). This variant has been observed in one or more individuals affected with the associated recessive disease, as either homozygous or compound heterozygous with a second variant (PMID: 12359134). Given the available evidence, this variant is classified as Pathogenic.

Baylor Genetics
Classification: Pathogenic for Multiple acyl-CoA dehydrogenase deficiency. Last evaluated: 2024-02-12. Review status: criteria provided, single submitter. Criteria: ACMG Guidelines, 2015. Collection method: clinical testing. Allele origin: unknown.

Labcorp Genetics (formerly Invitae), Labcorp
Classification: Pathogenic for Multiple acyl-CoA dehydrogenase deficiency. Last evaluated: 2023-09-03. Review status: criteria provided, single submitter. Criteria: Invitae Variant Classification Sherloc (09022015). Collection method: clinical testing. Allele origin: germline.
Comment: For these reasons, this variant has been classified as Pathogenic. Algorithms developed to predict the effect of sequence changes on RNA splicing suggest that this variant may disrupt the consensus splice site. ClinVar contains an entry for this variant (Variation ID: 631941). This premature translational stop signal has been observed in individual(s) with ETFDH-related conditions (PMID: 12359134). This variant is present in population databases (rs767249944, gnomAD 0.004%). This sequence change creates a premature translational stop signal (p.Trp182*) in the ETFDH gene. It is expected to result in an absent or disrupted protein product. Loss-of-function variants in ETFDH are known to be pathogenic (PMID: 16510302, 23785301).

Literature cited by the submitters: PubMed 12359134 (cited by 3 submitters); PubMed 16510302 (cited by Labcorp Genetics (formerly Invitae), Labcorp); PubMed 23785301 (cited by Labcorp Genetics (formerly Invitae), Labcorp).

NM_004453.4(ETFDH):c.545G>A (p.Trp182Ter)

Gene: ETFDH (electron transfer flavoprotein dehydrogenase; plus strand). Cytogenetic location: 4q32.1.
Variant type: single nucleotide variant.
Coding change: c.545G>A on transcript NM_004453.4 (MANE Select); coding-DNA position 545, G replaced by A.
Protein change: p.Trp182Ter; replaces tryptophan 182 with a stop codon.
Molecular consequence: nonsense.
Genome position (GRCh38, 1-based): chr4:158,685,158, G>A. VCF-style: chr4-158685158-G-A. GRCh37 (hg19) VCF-style: chr4-159606310-G-A.
Other names: p.Trp182*; c.404G>A, p.Trp135Ter (NM_001281737.2); c.362G>A, p.Trp121Ter (NM_001281738.1); short protein forms W182*, W121*, W135*.
Identifiers: ClinVar variation 631941 (VCV000631941.17), dbSNP rs767249944, ClinGen allele CA3122390.